The following is an entry in ClinVar:

NM_000419.5(ITGA2B):c.3115_3119dup (p.Ter1040TrpextTer?)

Gene: ITGA2B (integrin subunit alpha 2b; minus strand). Cytogenetic location: 17q21.31.
Variant type: Duplication.
Coding change: c.3115_3119dup on transcript NM_000419.5 (MANE Select); coding-DNA positions 3115 to 3119, 5 bases duplicated (GAGTG; older notation c.3115_3119dupGAGTG).
Protein change: p.Ter1040TrpextTer?.
Molecular consequence: frameshift variant, stop lost.
Genome position (GRCh38, 1-based): chr17:44,372,365-44,372,369, CACTC duplicated on the plus strand (GAGTG on the coding strand, the reverse complement: ITGA2B is on the minus strand); duplicating any 5 consecutive bases within chr17:44,372,365-44,372,370 gives the same sequence; the c. name uses the placement nearest the transcript's 3' end. VCF-style (leftmost placement, unchanged base first): chr17-44372364-T-TCACTC. GRCh37 (hg19) VCF-style: chr17-42449732-T-TCACTC.
Identifiers: ClinVar variation 952996 (VCV000952996.3), dbSNP rs2048504402, ClinGen allele CA915940262.

ClinVar aggregate classification (germline): Likely pathogenic (3 of 4 stars; one submission).

Conditions:
Glanzmann thrombasthenia. Also called: BLEEDING DISORDER, PLATELET-TYPE, 2; THROMBASTHENIA OF GLANZMANN AND NAEGELI; PLATELET GLYCOPROTEIN IIb-IIIa DEFICIENCY; Glanzmann's thrombasthenia; Thrombasthenia. Identifiers: Orphanet 849, MedGen C0040015, MONDO:0100326.

Submission:

ClinGen Platelet Disorders Variant Curation Expert Panel, ClinGen
Classification: Likely pathogenic for Glanzmann thrombasthenia. Last evaluated: 2023-08-15. Review status: reviewed by expert panel. Criteria: ClinGen Platelet ACMG Specifications v2-1. Collection method: curation. Allele origin: germline. Inheritance: Autosomal recessive inheritance.
Comment: The stop loss NM_000419.5(ITGA2B):c.3115_3119dup variant causes Ter1040Trp and extension of the protein by 92 amino acids (PM4). It has been observed in the homozygous state in one patient with a phenotype highly specific to GT, including mucocutaneous bleeding, impaired aggregation with all agonists except ristocetin, and <5% surface expression of αIIbβ3 measured by flow cytometry (PMID: 19691478; PP4_moderate, PM3_supporting). This variant is absent from gnomADv2.1.1 (PM2_Supporting). In summary, this variant meets the criteria to be classified as likely pathogenic for autosomal recessive Glanzmann Thrombasthenia based on the ACMG/AMP criteria applied, as specified by the ClinGen PD VCEP: PM2_supporting, PM4, PP4_moderate, PM3_supporting (PD VCEP specifications version 2.1).

Literature cited by the submitters: PubMed 19691478.